The following continues an entry in ClinVar:

NM_007294.4(BRCA1):c.2082C>T (p.Ser694=)

Gene: BRCA1. ClinVar aggregate classification (germline): Benign. Benign (1). ClinVar aggregate classification (somatic clinical impact): Tier IV - Benign/Likely benign.

Submissions 21 to 35 of 35:

Ambry Genetics
Classification: Benign for Hereditary cancer-predisposing syndrome. Last evaluated: 2014-08-01. Review status: criteria provided, single submitter. Criteria: Ambry Variant Classification Scheme 2023. Collection method: clinical testing. Allele origin: germline. Not counted in ClinVar's aggregate classification.

Women's Health and Genetics/Laboratory Corporation of America, LabCorp
Classification: Benign for Hereditary breast ovarian cancer syndrome. Last evaluated: 2013-12-18. Review status: criteria provided, single submitter. Criteria: LabCorp Variant Classification Summary - May 2015. Collection method: clinical testing. Allele origin: germline. Not counted in ClinVar's aggregate classification.

Breakthrough Genomics
Classification: Benign. Review status: criteria provided, single submitter. Criteria: ACMG Guidelines, 2015. Collection method: not provided. Allele origin: germline. Inheritance: Autosomal recessive inheritance. Affected: yes. Not counted in ClinVar's aggregate classification.

GreenArray Genomic Research & Solutions of Accurate Diagnostic Private Limited
Classification: Benign for Breast-ovarian cancer, familial, susceptibility to, 1. Review status: criteria provided, single submitter. Criteria: ACMG Guidelines, 2015. Collection method: clinical testing. Allele origin: germline. Affected: no. Not counted in ClinVar's aggregate classification.

PreventionGenetics, part of Exact Sciences
Classification: Benign. Review status: criteria provided, single submitter. Criteria: ACMG Guidelines, 2015. Collection method: clinical testing. Allele origin: germline. Not counted in ClinVar's aggregate classification.

Mayo Clinic Laboratories, Mayo Clinic
Classification: Benign. Last evaluated: 2016-12-07. Review status: no assertion criteria provided. Collection method: clinical testing. Allele origin: unknown. Not counted in ClinVar's aggregate classification.

Counsyl
Classification: Benign for Breast-ovarian cancer, familial 1. Last evaluated: 2014-01-02. Review status: no assertion criteria provided. Collection method: literature only. Allele origin: unknown. Inheritance: Autosomal dominant inheritance. Not counted in ClinVar's aggregate classification.
Comment: High frequency in a 1kG or ESP population: 32.4 %. This submission and the accompanying classification are no longer maintained by the submitter.

Sharing Clinical Reports Project (SCRP)
Classification: Benign for Breast-ovarian cancer, familial 1. Last evaluated: 2011-03-22. Review status: no assertion criteria provided. Collection method: clinical testing. Allele origin: germline. Not counted in ClinVar's aggregate classification.

Breast Cancer Information Core (BIC) (BRCA1)
No classification provided. Condition: Breast-ovarian cancer, familial 1. Review status: no classification provided. Collection method: clinical testing. Allele origin: germline, unknown. Affected: yes. Observed: 641 variant alleles. Not counted in ClinVar's aggregate classification.

Clinical Genetics Laboratory, Department of Pathology, Netherlands Cancer Institute
Classification: Benign. Review status: no assertion criteria provided. Collection method: clinical testing. Allele origin: germline. Affected: yes. Study: VKGL Data-share Consensus. Not counted in ClinVar's aggregate classification.

Department of Pathology and Laboratory Medicine, Sinai Health System
Classification: Benign. Review status: no assertion criteria provided. Collection method: clinical testing. Allele origin: unknown. Affected: yes. Observed: 2 variant alleles. Study: The Canadian Open Genetics Repository (COGR). Not counted in ClinVar's aggregate classification.

Diagnostic Laboratory, Department of Genetics, University Medical Center Groningen
Classification: Benign for Breast-ovarian cancer, familial, susceptibility to, 1. Review status: no assertion criteria provided. Collection method: clinical testing. Allele origin: germline. Affected: yes. Study: VKGL Data-share Consensus. Not counted in ClinVar's aggregate classification.

Faculté Pluridciplinaire Nador, Université Mohamed Premier
Classification: Tier IV - Benign/Likely benign for Familial cancer of breast. Review status: no assertion criteria provided. Collection method: research. Allele origin: somatic. Affected: yes.
Comment: The following databases and algorithms are used to annotate and evaluate the impact of the variant in the context of human disease: 1000 genomes, gnomAD, ClinVar, OMIM, dbSNP, NCIB RefSeq Genes, ExAC Gene Constraints, VS-SIFT, VS-PolyPhen2, PhyloP, GERP++, GeneSplicer, MaxEntScan, NNSplice, PWM Splice Predictor.

Joint Genome Diagnostic Labs from Nijmegen and Maastricht, Radboudumc and MUMC+
Classification: Benign. Review status: no assertion criteria provided. Collection method: clinical testing. Allele origin: germline. Affected: yes. Study: VKGL Data-share Consensus. Not counted in ClinVar's aggregate classification.

Breast Cancer Information Core (BIC) (BRCA1)
Classification: Benign for Breast-ovarian cancer, familial 1. Last evaluated: 2000-01-01. Review status: flagged submission. Collection method: clinical testing. Allele origin: germline. Affected: yes. Observed: 1 variant allele. Not counted in ClinVar's aggregate classification.
ClinVar note: Reason: This record appears to be redundant with a more recent record from the same submitter.
ClinVar note: Notes: SCV000144294 appears to be redundant with SCV000144293.

Literature cited by the submitters: DOI 10.3389/fgene.2022.834265 (cited by National Health Laboratory Service, Universitas Academic Hospital and University of the Free State); PubMed 36329109 (cited by Genetics Program, Instituto Nacional de Cancer); PubMed 20104584 (cited by Women's Health and Genetics/Laboratory Corporation of America, LabCorp); PubMed 21702907 (cited by Women's Health and Genetics/Laboratory Corporation of America, LabCorp); Ladopolou-et-al.,-Cancer-Lett,-185:61,-2002 (cited by Breast Cancer Information Core (BIC) (BRCA1)).